The following is an entry in ClinVar:

NM_006265.3(RAD21):c.711T>C (p.Asn237=)

Gene: RAD21 (RAD21 cohesin complex component; minus strand). Cytogenetic location: 8q24.11.
Variant type: single nucleotide variant.
Coding change: c.711T>C on transcript NM_006265.3 (MANE Select); coding-DNA position 711, T replaced by C.
Protein change: p.Asn237=; no amino-acid change (asparagine 237 retained).
Molecular consequence: synonymous variant.
Genome position (GRCh38, 1-based): chr8:116,856,749, A>G on the plus strand (T>C on the coding strand, the complement: RAD21 is on the minus strand). VCF-style: chr8-116856749-A-G. GRCh37 (hg19) VCF-style: chr8-117868988-A-G.
Identifiers: ClinVar variation 1879720 (VCV001879720.29), dbSNP rs2537296820, ClinGen allele CA462502853.

ClinVar aggregate classification (germline): Likely benign (1 of 4 stars; one submission).

Allele frequency attached by ClinVar (database versions not stated): gnomAD exomes below 0.00001.
gnomAD v4.1: 2 of 1,540,970 alleles (0.00013%); highest among the groups gnomAD compares: Non-Finnish European, 0.00018%; no homozygotes.

Submission:

CeGaT Center for Human Genetics Tuebingen
Classification: Likely benign. Last evaluated: 2022-10-01. Review status: criteria provided, single submitter. Criteria: CeGaT Center For Human Genetics Tuebingen Variant Classification Criteria Version 2. Collection method: clinical testing. Allele origin: germline. Affected: yes. Observed: 1 variant allele.
Comment: RAD21: PM2:Supporting, BP4, BP7